The following is an entry in ClinVar:

NM_013275.6(ANKRD11):c.6923G>T (p.Gly2308Val)

Gene: ANKRD11 (ankyrin repeat domain 11; minus strand). Cytogenetic location: 16q24.3.
Variant type: single nucleotide variant.
Coding change: c.6923G>T on transcript NM_013275.6 (MANE Select); coding-DNA position 6923, G replaced by T.
Protein change: p.Gly2308Val; replaces glycine 2308 with valine.
Molecular consequence: missense variant.
Genome position (GRCh38, 1-based): chr16:89,279,619, C>A on the plus strand (G>T on the coding strand, the complement: ANKRD11 is on the minus strand). VCF-style: chr16-89279619-C-A. GRCh37 (hg19) VCF-style: chr16-89346027-C-A.
Other names: c.6923G>T, p.Gly2308Val (NM_001256182.2, NM_001256183.2); short protein forms G2308V.
Identifiers: ClinVar variation 385512 (VCV000385512.5), dbSNP rs1057522245, ClinGen allele CA16607143.
Genomic context (GRCh38, chr16:89,279,619, plus strand): 5'-CGGGGGGCCTTCGGGGCTTCGGCCGTGGGTTTTGGTTCTGCGGCTTCCGGCTGGATGCCG[C>A]CAGGAGGGCCTTCGGCTGGGGCGGCGGCACGGGAGGCCTCAGTGTCGTCCTCGGGGCCGG-3'
Protein context (NP_037407.4, residues 2298-2318): RAAAPAEGPP[Gly2308Val]GIQPEAAEPK

ClinVar aggregate classification (germline): Uncertain significance. Review status: criteria provided, multiple submitters, no conflicts (2 of 4 stars). 2 submissions from 2 submitters: Uncertain significance (2). Last evaluated 2022-11-28.

Conditions:
KBG syndrome (KBGS). Also called: ANKRD11-Related KBG Syndrome. Identifiers: Orphanet 2332, MedGen C0220687, MONDO:0007846, OMIM 148050.

Allele frequency attached by ClinVar (database versions not stated): TOPMed below 0.00001.

Submissions (2):

Labcorp Genetics (formerly Invitae), Labcorp
Classification: Uncertain significance for KBG syndrome. Last evaluated: 2022-11-28. Review status: criteria provided, single submitter. Criteria: Invitae Variant Classification Sherloc (09022015). Collection method: clinical testing. Allele origin: germline.
Comment: This sequence change replaces glycine, which is neutral and non-polar, with valine, which is neutral and non-polar, at codon 2308 of the ANKRD11 protein (p.Gly2308Val). This variant is not present in population databases (gnomAD no frequency). This variant has not been reported in the literature in individuals affected with ANKRD11-related conditions. ClinVar contains an entry for this variant (Variation ID: 385512). Advanced modeling of protein sequence and biophysical properties (such as structural, functional, and spatial information, amino acid conservation, physicochemical variation, residue mobility, and thermodynamic stability) performed at Invitae indicates that this missense variant is not expected to disrupt ANKRD11 protein function. In summary, the available evidence is currently insufficient to determine the role of this variant in disease. Therefore, it has been classified as a Variant of Uncertain Significance.

GeneDx
Classification: Uncertain significance. Last evaluated: 2016-04-07. Review status: criteria provided, single submitter. Criteria: GeneDx Variant Classification (06012015). Collection method: clinical testing. Allele origin: germline. Affected: yes.
Comment: The G2308V variant in the ANKRD11 gene has not been reported previously as a pathogenic variant, nor as a benign variant, to our knowledge. This variant was not observed in approximately 1400 individuals of European and African American ancestry in the NHLBI Exome Sequencing Project, indicating it is not a common benign variant in these populations. The G2308V variant is a conservative amino acid substitution, which is not likely to impact secondary protein structure as these residues share similar properties. This substitution occurs at a position that is not conserved, and in silico analysis predicts this variant likely does not alter the protein structure/function. We interpret G2308V as a variant of uncertain significance.